The following is an entry in ClinVar:

ClinVar aggregate classification (germline): Uncertain significance (1 of 4 stars; one submission).

Allele frequency attached by ClinVar (database versions not stated): TOPMed below 0.00001; gnomAD 0.00001; gnomAD exomes 0.00001 and 0.00002; ExAC 0.00002; 1000 Genomes Project 0.00020; 1000 Genomes Project 30x 0.00047.

Submission:

Labcorp Genetics (formerly Invitae), Labcorp
Classification: Uncertain significance. Last evaluated: 2022-02-04. Review status: criteria provided, single submitter. Criteria: Invitae Variant Classification Sherloc (09022015). Collection method: clinical testing. Allele origin: germline.
Comment: This sequence change replaces arginine, which is basic and polar, with histidine, which is basic and polar, at codon 2467 of the SZT2 protein (p.Arg2467His). This variant is present in population databases (rs200718395, gnomAD 0.01%). This variant has not been reported in the literature in individuals affected with SZT2-related conditions. Algorithms developed to predict the effect of missense changes on protein structure and function output the following: SIFT: "Tolerated"; PolyPhen-2: "Benign"; Align-GVGD: "Class C0". The histidine amino acid residue is found in multiple mammalian species, which suggests that this missense change does not adversely affect protein function. In summary, the available evidence is currently insufficient to determine the role of this variant in disease. Therefore, it has been classified as a Variant of Uncertain Significance.

NM_001365999.1(SZT2):c.7571G>A (p.Arg2524His)

Gene: SZT2 (SZT2 subunit of KICSTOR complex; plus strand). Cytogenetic location: 1p34.2.
Variant type: single nucleotide variant.
Coding change: c.7571G>A on transcript NM_001365999.1 (MANE Select); coding-DNA position 7571, G replaced by A.
Protein change: p.Arg2524His; replaces arginine 2524 with histidine.
Molecular consequence: missense variant.
Genome position (GRCh38, 1-based): chr1:43,441,563, G>A. VCF-style: chr1-43441563-G-A. GRCh37 (hg19) VCF-style: chr1-43907234-G-A.
Other names: c.7400G>A, p.Arg2467His (NM_015284.4); short protein forms R2524H, R2467H.
Identifiers: ClinVar variation 1396896 (VCV001396896.4), dbSNP rs200718395, ClinGen allele CA810270.